The following is an entry in ClinVar:

NM_000038.6(APC):c.1531G>A (p.Gly511Arg)

Gene: APC (APC regulator of Wnt signaling pathway; plus strand). Cytogenetic location: 5q22.2.
Variant type: single nucleotide variant.
Coding change: c.1531G>A on transcript NM_000038.6 (MANE Select); coding-DNA position 1531, G replaced by A.
Protein change: p.Gly511Arg; replaces glycine 511 with arginine.
Molecular consequence: missense variant.
Genome position (GRCh38, 1-based): chr5:112,827,230, G>A. VCF-style: chr5-112827230-G-A. GRCh37 (hg19) VCF-style: chr5-112162927-G-A.
Other names: c.1531G>A, p.Gly511Arg (NM_001127510.3, NM_001354895.2, NM_001407450.1); c.1477G>A, p.Gly493Arg (NM_001127511.3); c.1585G>A, p.Gly529Arg (NM_001354896.2, NM_001407447.1, NM_001407448.1 and 1 more transcripts); c.1561G>A, p.Gly521Arg (NM_001354897.2); c.1456G>A, p.Gly486Arg (NM_001354898.2); c.1447G>A, p.Gly483Arg (NM_001354899.2); c.1408G>A, p.Gly470Arg (NM_001354900.2); c.1354G>A, p.Gly452Arg (NM_001354901.2, NM_001407453.1); and 11 more; short protein forms G228R, G420R, G428R, G501R, G511R, G127R, G382R, G410R.
Identifiers: ClinVar variation 2994834 (VCV002994834.3), dbSNP rs876658811, ClinGen allele CA16024654.
Genomic context (GRCh38, chr5:112,827,230, plus strand): 5'-GACCACTACAGTATTACACTAAGACGATATGCTGGAATGGCTTTGACAAACTTGACTTTT[G>A]GAGATGTAGCCAACAAGGTATGTTTTTATAACATGTATTTCTTAAGATAGCTCAGGTATG-3'
Protein context (NP_000029.2, residues 501-521): AGMALTNLTF[Gly511Arg]DVANKATLCS

ClinVar aggregate classification (germline): Uncertain significance (1 of 4 stars; one submission).

Conditions:
Familial adenomatous polyposis 1 (FAP1). Also called: FAMILIAL ADENOMATOUS POLYPOSIS 1, ATTENUATED; POLYPOSIS, ADENOMATOUS INTESTINAL. Identifiers: MedGen C2713442, MONDO:0021056, OMIM 175100. Disease mechanism: loss of function.

Submission:

Labcorp Genetics (formerly Invitae), Labcorp
Classification: Uncertain significance for Familial adenomatous polyposis 1. Last evaluated: 2024-05-20. Review status: criteria provided, single submitter. Criteria: Invitae Variant Classification Sherloc (09022015). Collection method: clinical testing. Allele origin: germline.
Comment: This sequence change replaces glycine, which is neutral and non-polar, with arginine, which is basic and polar, at codon 511 of the APC protein (p.Gly511Arg). This variant is not present in population databases (gnomAD no frequency). This variant has not been reported in the literature in individuals affected with APC-related conditions. Advanced modeling of protein sequence and biophysical properties (such as structural, functional, and spatial information, amino acid conservation, physicochemical variation, residue mobility, and thermodynamic stability) performed at Invitae indicates that this missense variant is not expected to disrupt APC protein function with a negative predictive value of 95%. In summary, the available evidence is currently insufficient to determine the role of this variant in disease. Therefore, it has been classified as a Variant of Uncertain Significance.